The following is an entry in ClinVar:

NM_006924.5(SRSF1):c.557A>G (p.Glu186Gly)

Genes: SRSF1 (serine and arginine rich splicing factor 1; minus strand), LOC126862603 (BRD4-independent group 4 enhancer GRCh37_chr17:56082218-56083417; plus strand). Cytogenetic location: 17q22.
Variant type: single nucleotide variant.
Coding change: c.557A>G on transcript NM_006924.5 (MANE Select); coding-DNA position 557, A replaced by G.
Protein change: p.Glu186Gly; replaces glutamic acid 186 with glycine.
Molecular consequence: missense variant. On other transcripts: 3 prime UTR variant (1), non-coding transcript variant (2).
Genome position (GRCh38, 1-based): chr17:58,005,596, T>C on the plus strand (A>G on the coding strand, the complement: SRSF1 is on the minus strand). VCF-style: chr17-58005596-T-C. GRCh37 (hg19) VCF-style: chr17-56082957-T-C.
Other names: c.*151A>G (NM_001078166.2); short protein forms E186G.
Identifiers: ClinVar variation 4975175 (VCV004975175.1).
Genomic context (GRCh38, chr17:58,005,596, plus strand): 5'-CGAGATCTTCCATAACTTGGACTTCTGGGCCCATCAACTTTAACCCGGATGTAGGCAGTT[T>C]CTCCCTATTGGATAGACAGAACTTTCCATTGAAAGATCTAAGCTTTCATCTATCTTCAGA-3'
Protein context (NP_008855.1, residues 176-196): DNTKFRSHEG[Glu186Gly]TAYIRVKVDG

ClinVar aggregate classification (germline): Uncertain significance (1 of 4 stars; one submission).

Submission:

GeneDx
Classification: Uncertain significance. Last evaluated: 2026-02-01. Review status: criteria provided, single submitter. Criteria: GeneDx Variant Classification Process June 2021. Collection method: clinical testing. Allele origin: germline.
Comment: Not observed at significant frequency in large population cohorts (gnomAD); In silico analysis supports that this missense variant has a deleterious effect on protein structure/function; Has not been previously published as pathogenic or benign to our knowledge; Reported using an alternate transcript of the gene